The following is an entry in ClinVar:

NM_024685.4(BBS10):c.323dup (p.Leu108fs)

Gene: BBS10 (Bardet-Biedl syndrome 10; minus strand). Cytogenetic location: 12q21.2.
Variant type: Duplication.
Coding change: c.323dup on transcript NM_024685.4 (MANE Select); coding-DNA position 323, one base duplicated (T; older notation c.323dupT).
Protein change: p.Leu108fs; shifts the reading frame from leucine 108.
Molecular consequence: frameshift variant.
Genome position (GRCh38, 1-based): chr12:76,347,662, A duplicated on the plus strand (T on the coding strand, the reverse complement: BBS10 is on the minus strand); the first of 3 consecutive A bases (chr12:76,347,662-76,347,664); duplicating any one gives the same sequence. VCF-style (leftmost placement, unchanged base first): chr12-76347661-C-CA. GRCh37 (hg19) VCF-style: chr12-76741441-C-CA.
Other names: short protein forms L108fs.
Identifiers: ClinVar variation 4816162 (VCV004816162.1).

ClinVar aggregate classification (germline): Likely pathogenic (1 of 4 stars; one submission).

Conditions:
Bardet-Biedl syndrome 10 (BBS10). Identifiers: Orphanet 110, MedGen C1859568, MONDO:0014438, OMIM 615987.

Submission:

Natera, Inc.
Classification: Likely pathogenic for Bardet-Biedl syndrome type 10. Last evaluated: 2025-06-16. Review status: criteria provided, single submitter. Criteria: Natera Variant Classification Schema (03/2026). Collection method: clinical testing. Allele origin: germline.
Comment: The c.323dup variant in BBS10 is a frameshift variant predicted to shift the reading frame beginning at codon 108 and leads to a stop codon 4 codons downstream. This variant is expected to result in nonsense mediated decay, truncation, or a dysfunctional protein product. This variant is rare in the general population with a frequency below the threshold expected for the associated phenotype(s). Given the available evidence, this variant is classified as Likely Pathogenic.